The following is an entry in ClinVar:

NM_006393.3(NEBL):c.294T>A (p.Ser98=)

Gene: NEBL (nebulette; minus strand). Cytogenetic location: 10p12.31.
Variant type: single nucleotide variant.
Coding change: c.294T>A on transcript NM_006393.3 (MANE Select); coding-DNA position 294, T replaced by A.
Protein change: p.Ser98=; no amino-acid change (serine 98 retained).
Molecular consequence: synonymous variant. On other transcripts: intron variant (9).
Genome position (GRCh38, 1-based): chr10:20,888,172, A>T on the plus strand (T>A on the coding strand, the complement: NEBL is on the minus strand). VCF-style: chr10-20888172-A-T. GRCh37 (hg19) VCF-style: chr10-21177101-A-T.
Other names: c.249+73500T>A (NM_001377326.1, NM_001377327.1, NM_001377328.1); c.357+73500T>A (NM_213569.2, NM_001173484.2, NM_001377322.1); c.300+73500T>A (NM_001377324.1); c.291+73500T>A (NM_001377325.1); c.309+73500T>A (NM_001377323.1).
Identifiers: ClinVar variation 669083 (VCV000669083.1), dbSNP rs771269408, ClinGen allele CA5433292.
Genomic context (GRCh38, chr10:20,888,172, plus strand): 5'-TGTAACTTCTCCTGCAAAAACACTGTCAATTGTGGCTGGCATCCGCTTATAAAGAGAATT[A>T]GAAAGGTCAGCTTTAATGGTGCCTTTGTATTTTGCCTGGGGGAAAAAAAAACAGGAAAAA-3'
Protein context (NP_006384.1, residues 88-108): KYKGTIKADL[Ser98=]NSLYKRMPAT

ClinVar aggregate classification (germline): Likely benign (1 of 4 stars; one submission).

gnomAD v4.1: 2 of 1,613,886 alleles (0.00012%); highest among the groups gnomAD compares: Non-Finnish European, 0.00017%; no homozygotes.

Submission:

GeneDx
Classification: Likely benign. Last evaluated: 2018-06-04. Review status: criteria provided, single submitter. Criteria: GeneDx Variant Classification (06012015). Collection method: clinical testing. Allele origin: germline. Affected: yes.
Comment: This variant is considered likely benign or benign based on one or more of the following criteria: it is a conservative change, it occurs at a poorly conserved position in the protein, it is predicted to be benign by multiple in silico algorithms, and/or has population frequency not consistent with disease.